The following is an entry in ClinVar:

ClinVar aggregate classification (germline): Pathogenic (1 of 4 stars; one submission).

Conditions:
Neurofibromatosis, type 1 (NF1). Also called: NEUROFIBROMATOSIS, TYPE I, SOMATIC; Neurofibromatosis, type I; Peripheral type neurofibromatosis; VON RECKLINGHAUSEN DISEASE. Identifiers: Orphanet 636, MedGen C0027831, MONDO:0018975, OMIM 162200. Disease mechanism: loss of function.

Submission:

Labcorp Genetics (formerly Invitae), Labcorp
Classification: Pathogenic for Neurofibromatosis, type 1. Last evaluated: 2022-08-04. Review status: criteria provided, single submitter. Criteria: Invitae Variant Classification Sherloc (09022015). Collection method: clinical testing. Allele origin: germline.
Comment: For these reasons, this variant has been classified as Pathogenic. This variant has not been reported in the literature in individuals affected with NF1-related conditions. This variant is not present in population databases (gnomAD no frequency). This sequence change creates a premature translational stop signal (p.Lys686Asnfs*2) in the NF1 gene. It is expected to result in an absent or disrupted protein product. Loss-of-function variants in NF1 are known to be pathogenic (PMID: 10712197, 23913538).

Literature cited by the submitters: PubMed 10712197; PubMed 23913538.

NM_001042492.3(NF1):c.2058del (p.Lys686fs)

Gene: NF1 (neurofibromin 1; plus strand). Cytogenetic location: 17q11.2.
Variant type: Deletion.
Coding change: c.2058del on transcript NM_001042492.3 (MANE Select); coding-DNA position 2058, one base deleted (A; older notation c.2058delA).
Protein change: p.Lys686fs; shifts the reading frame from lysine 686.
Molecular consequence: frameshift variant.
Genome position (GRCh38, 1-based): chr17:31,226,491, A deleted; the last of 3 consecutive A bases (chr17:31,226,489-31,226,491); deleting any one gives the same sequence. VCF-style (leftmost placement, unchanged base first): chr17-31226488-CA-C. GRCh37 (hg19) VCF-style: chr17-29553506-CA-C.
Other names: c.2058delA, p.Lys686Asnfs (NM_000267.4); short protein forms K686fs.
Identifiers: ClinVar variation 2021457 (VCV002021457.4), dbSNP rs2508155214, ClinGen allele CA2580093139.
Genomic context (GRCh38, chr17:31,226,488, plus strand): 5'-CTCTCAGGATAGTGCAGCAGGATGCAGCGGAACCCCCCCGATTTGCCGACAAGCCCAGAC[CA>C]AACTAGAAGTGGCCCTGTACATGTTTCTGTGGAACCCTGACACTGAAGCTGTTCTGGTTG-3'